The following is an entry in ClinVar:

ClinVar aggregate classification (germline): Likely pathogenic. Review status: criteria provided, multiple submitters, no conflicts (2 of 4 stars). 2 submissions from 2 submitters: Likely pathogenic (2). Last evaluated 2024-03-25.

Conditions:
3-methylcrotonyl-CoA carboxylase 1 deficiency (MCC1D). Also called: MCC 1 deficiency; 3 Alpha methylcrotonylglycinuria 1; MCCD TYPE 1; METHYLCROTONYLGLYCINURIA TYPE I. Identifiers: Orphanet 6, MedGen CN028786, MONDO:0008861, OMIM 210200.

Submissions (2):

Fulgent Genetics
Classification: Likely pathogenic for 3-methylcrotonyl-CoA carboxylase 1 deficiency. Last evaluated: 2024-03-25. Review status: criteria provided, single submitter. Criteria: ACMG Guidelines, 2015. Collection method: clinical testing. Allele origin: germline.

Juno Genomics, Hangzhou Juno Genomics, Inc
Classification: Likely pathogenic for 3-methylcrotonyl-CoA carboxylase 1 deficiency. Review status: criteria provided, single submitter. Criteria: ACMG Guidelines, 2015. Collection method: clinical testing. Allele origin: germline.
Comment: Absent from controls (or at extremely low frequency if recessive) in Genome Aggregation Database.;Null variant in a gene where loss of function (LOF) is a known mechanism of disease.

NM_020166.5(MCCC1):c.321C>A (p.Tyr107Ter)

Gene: MCCC1 (methylcrotonyl-CoA carboxylase subunit 1; minus strand). Cytogenetic location: 3q27.1.
Variant type: single nucleotide variant.
Coding change: c.321C>A on transcript NM_020166.5 (MANE Select); coding-DNA position 321, C replaced by A.
Protein change: p.Tyr107Ter; replaces tyrosine 107 with a stop codon.
Molecular consequence: nonsense. On other transcripts: missense variant (1), 5 prime UTR variant (1), non-coding transcript variant (1).
Genome position (GRCh38, 1-based): chr3:183,086,741, G>T on the plus strand (C>A on the coding strand, the complement: MCCC1 is on the minus strand). VCF-style: chr3-183086741-G-T. GRCh37 (hg19) VCF-style: chr3-182804529-G-T.
Other names: c.92C>A, p.Thr31Asn (NM_001293273.2); c.-7C>A (NM_001363880.1); short protein forms Y107*, T31N.
Identifiers: ClinVar variation 3588972 (VCV003588972.3).